The following is an entry in ClinVar:

ClinVar aggregate classification (germline): Uncertain significance (1 of 4 stars; one submission).

Allele frequency attached by ClinVar (database versions not stated): ExAC 0.00001; gnomAD exomes below 0.00001; gnomAD 0.00001.
gnomAD v4.1: 3 of 1,610,254 alleles (0.00019%); highest among the groups gnomAD compares: African/African-American, 0.0013%; no homozygotes.

Submission:

Labcorp Genetics (formerly Invitae), Labcorp
Classification: Uncertain significance. Last evaluated: 2025-06-12. Review status: criteria provided, single submitter. Criteria: Invitae Variant Classification Sherloc (09022015). Collection method: clinical testing. Allele origin: germline.
Comment: This sequence change replaces glycine, which is neutral and non-polar, with glutamic acid, which is acidic and polar, at codon 978 of the MAPKBP1 protein (p.Gly978Glu). The frequency data for this variant in the population databases is considered unreliable, as metrics indicate poor data quality at this position in the gnomAD database. This variant has not been reported in the literature in individuals affected with MAPKBP1-related conditions. ClinVar contains an entry for this variant (Variation ID: 2024929). An algorithm developed to predict the effect of missense changes on protein structure and function (PolyPhen-2) suggests that this variant is likely to be disruptive. In summary, the available evidence is currently insufficient to determine the role of this variant in disease. Therefore, it has been classified as a Variant of Uncertain Significance.

NM_014994.3(MAPKBP1):c.2915G>A (p.Gly972Glu)

Gene: MAPKBP1 (mitogen-activated protein kinase binding protein 1; plus strand). Cytogenetic location: 15q15.1.
Variant type: single nucleotide variant.
Coding change: c.2915G>A on transcript NM_014994.3 (MANE Select); coding-DNA position 2915, G replaced by A.
Protein change: p.Gly972Glu; replaces glycine 972 with glutamic acid.
Molecular consequence: missense variant. On other transcripts: non-coding transcript variant (2).
Genome position (GRCh38, 1-based): chr15:41,821,994, G>A. VCF-style: chr15-41821994-G-A. GRCh37 (hg19) VCF-style: chr15-42114192-G-A.
Other names: c.2933G>A, p.Gly978Glu (NM_001128608.2); c.2915G>A, p.Gly972Glu (NM_001265611.2); short protein forms G972E, G978E.
Identifiers: ClinVar variation 2024929 (VCV002024929.4), dbSNP rs750008902, ClinGen allele CA7498423.
Genomic context (GRCh38, chr15:41,821,994, plus strand): 5'-CCTTTTCTTCTCCCTGCTGGAATCCTGACAGTGAGTTCCAAGTGCAGGCTCCAGCCCGGG[G>A]AACTCTGGGAAGAGTGTACCCAGGCAGCAGGAGCTCAGAAAAGCACAGCCCTGACAGTGC-3'
Protein context (NP_055809.2, residues 962-982): SEFQVQAPAR[Gly972Glu]TLGRVYPGSR